The following is an entry in ClinVar:

NM_182914.3(SYNE2):c.5795A>G (p.Gln1932Arg)

Gene: SYNE2 (spectrin repeat containing nuclear envelope protein 2; plus strand). Cytogenetic location: 14q23.2.
Variant type: single nucleotide variant.
Coding change: c.5795A>G on transcript NM_182914.3 (MANE Select); coding-DNA position 5795, A replaced by G.
Protein change: p.Gln1932Arg; replaces glutamine 1932 with arginine.
Molecular consequence: missense variant.
Genome position (GRCh38, 1-based): chr14:64,024,414, A>G. VCF-style: chr14-64024414-A-G. GRCh37 (hg19) VCF-style: chr14-64491132-A-G.
Other names: c.5795A>G, p.Gln1932Arg (NM_015180.6); short protein forms Q1932R.
Identifiers: ClinVar variation 3172714 (VCV003172714.3), dbSNP rs762218280, ClinGen allele CA7220557.
Genomic context (GRCh38, chr14:64,024,414, plus strand): 5'-AGCTTATCAGTTGGCTCGTGGGTCAGGAATTCGAATTAGAAAAAATGGAGTCCATATGCC[A>G]GGCTCGAGCAAAGGAGCTTGAAGACTCCTTGCAGCAGCTACTGAGGTAGGAAATAAAGAT-3'
Protein context (NP_878918.2, residues 1922-1942): FELEKMESIC[Gln1932Arg]ARAKELEDSL

ClinVar aggregate classification (germline): Uncertain significance. Review status: criteria provided, multiple submitters, no conflicts (2 of 4 stars). 2 submissions from 2 submitters: Uncertain significance (2). Last evaluated 2024-07-21.

Conditions:
Emery-Dreifuss muscular dystrophy 5, autosomal dominant (EDMD5). Also called: EMERY-DREIFUSS MUSCULAR DYSTROPHY 5. Identifiers: Orphanet 261, MedGen C2751805, MONDO:0013072, OMIM 612999.

Allele frequency attached by ClinVar (database versions not stated): TOPMed below 0.00001; ExAC 0.00001.
gnomAD v4.1: 5 of 1,614,162 alleles (0.00031%); highest among the groups gnomAD compares: Middle Eastern, 0.016%; no homozygotes.

Submissions (2):

Labcorp Genetics (formerly Invitae), Labcorp
Classification: Uncertain significance for Emery-Dreifuss muscular dystrophy 5, autosomal dominant. Last evaluated: 2024-07-21. Review status: criteria provided, single submitter. Criteria: Invitae Variant Classification Sherloc (09022015). Collection method: clinical testing. Allele origin: germline.
Comment: This sequence change replaces glutamine, which is neutral and polar, with arginine, which is basic and polar, at codon 1932 of the SYNE2 protein (p.Gln1932Arg). This variant is present in population databases (rs762218280, gnomAD 0.009%). This variant has not been reported in the literature in individuals affected with SYNE2-related conditions. An algorithm developed to predict the effect of missense changes on protein structure and function outputs the following: PolyPhen-2: "Benign". The arginine amino acid residue is found in multiple mammalian species, which suggests that this missense change does not adversely affect protein function. In summary, the available evidence is currently insufficient to determine the role of this variant in disease. Therefore, it has been classified as a Variant of Uncertain Significance.

Ambry Genetics
Classification: Uncertain significance. Last evaluated: 2024-03-07. Review status: criteria provided, single submitter. Criteria: Ambry Variant Classification Scheme 2023. Collection method: clinical testing. Allele origin: germline.